The following is an entry in ClinVar:

NC_000017.10:g.(?_66397481)_(66397611_?)dup

Gene: ARSG (arylsulfatase G; plus strand). Cytogenetic location: 17q24.2.
Variant type: Duplication.
Identifiers: ClinVar variation 3243185 (VCV003243185.1).

ClinVar aggregate classification (germline): Pathogenic (1 of 4 stars; one submission).

Submission:

Labcorp Genetics (formerly Invitae), Labcorp
Classification: Pathogenic. Last evaluated: 2023-02-02. Review status: criteria provided, single submitter. Criteria: Invitae Variant Classification Sherloc (09022015). Collection method: clinical testing. Allele origin: unknown.
Comment: This variant results in a copy number gain of the genomic region encompassing exon(s) 11 of the ARSG gene. While the exact position of this variant cannot be determined from the data, sub-genic copy number gains are generally in tandem (PMID: 25640679). This variant is predicted to be out-of-frame, and may result in an absent or disrupted protein product. Loss-of-function variants in ARSG are known to be pathogenic (PMID: 26975023, 34223797). This variant has not been reported in the literature in individuals affected with ARSG-related conditions. This variant disrupts a region of the ARSG protein in which other variant(s) (p.Ser443Alafs*12) have been determined to be pathogenic (PMID: 33300174; Invitae). This suggests that this is a clinically significant region of the protein, and that variants that disrupt it are likely to be disease-causing. For these reasons, this variant has been classified as Pathogenic.

Literature cited by the submitters: PubMed 25640679; PubMed 26975023; PubMed 34223797; PubMed 33300174.